The following is an entry in ClinVar:

ClinVar aggregate classification (germline): Uncertain significance (1 of 4 stars; one submission).

Conditions:
Charcot-Marie-Tooth disease recessive intermediate C. Also called: CHARCOT-MARIE-TOOTH NEUROPATHY, RECESSIVE INTERMEDIATE C. Identifiers: Orphanet 369867, MedGen C3809309, MONDO:0014154, OMIM 615376.
Neuronopathy, distal hereditary motor, autosomal recessive 4. Also called: NEUROPATHY, DISTAL HEREDITARY MOTOR, AUTOSOMAL RECESSIVE 4; Autosomal recessive lower motor neuron disease with childhood onset. Identifiers: Orphanet 206580, MedGen C1970211, MONDO:0012608, OMIM 611067.

Submission:

Labcorp Genetics (formerly Invitae), Labcorp
Classification: Uncertain significance for Neuronopathy, distal hereditary motor, autosomal recessive 4; Charcot-Marie-Tooth disease recessive intermediate C. Last evaluated: 2022-06-14. Review status: criteria provided, single submitter. Criteria: Invitae Variant Classification Sherloc (09022015). Collection method: clinical testing. Allele origin: germline.
Comment: This sequence change replaces valine, which is neutral and non-polar, with alanine, which is neutral and non-polar, at codon 512 of the PLEKHG5 protein (p.Val512Ala). This variant is not present in population databases (gnomAD no frequency). This variant has not been reported in the literature in individuals affected with PLEKHG5-related conditions. In summary, the available evidence is currently insufficient to determine the role of this variant in disease. Therefore, it has been classified as a Variant of Uncertain Significance. Algorithms developed to predict the effect of missense changes on protein structure and function output the following: SIFT: "Tolerated"; PolyPhen-2: "Benign"; Align-GVGD: "Class C0". The alanine amino acid residue is found in multiple mammalian species, which suggests that this missense change does not adversely affect protein function.

NM_020631.6(PLEKHG5):c.1535T>C (p.Val512Ala)

Gene: PLEKHG5 (pleckstrin homology and RhoGEF domain containing G5; minus strand). Cytogenetic location: 1p36.31.
Variant type: single nucleotide variant.
Coding change: c.1535T>C on transcript NM_020631.6 (MANE Select); coding-DNA position 1535, T replaced by C.
Protein change: p.Val512Ala; replaces valine 512 with alanine.
Molecular consequence: missense variant.
Genome position (GRCh38, 1-based): chr1:6,470,742, A>G on the plus strand (T>C on the coding strand, the complement: PLEKHG5 is on the minus strand). VCF-style: chr1-6470742-A-G. GRCh37 (hg19) VCF-style: chr1-6530802-A-G.
Other names: c.1646T>C, p.Val549Ala (NM_001042663.3, NM_001265592.2); c.1535T>C, p.Val512Ala (NM_001042664.2, NM_001042665.2, NM_001265594.3 and 1 more transcripts); c.1742T>C, p.Val581Ala (NM_001265593.2); short protein forms V512A, V581A, V549A.
Identifiers: ClinVar variation 2006017 (VCV002006017.4), dbSNP rs548243654, ClinGen allele CA338126265.